The following is an entry in ClinVar:

NM_006517.5(SLC16A2):c.1026+1G>C

Gene: SLC16A2 (solute carrier family 16 member 2; plus strand). Cytogenetic location: Xq13.2.
Variant type: single nucleotide variant.
Coding change: c.1026+1G>C on transcript NM_006517.5 (MANE Select); the canonical splice donor site of the intron after coding-DNA position 1026, G replaced by C.
Molecular consequence: splice donor variant.
Genome position (GRCh38, 1-based): chrX:74,524,810, G>C. VCF-style: chrX-74524810-G-C. GRCh37 (hg19) VCF-style: chrX-73744645-G-C.
Identifiers: ClinVar variation 4719480 (VCV004719480.1).
Genomic context (GRCh38, chrX:74,524,810, plus strand): 5'-ATCTGGGCCTTCGGAATTGCTGCTGCTGCCCTTGGCTACTTTGTTCCCTATGTACACCTG[G>C]TGAGGAATACCAGAGTGGGCCCACCCCACCTGGCCCCAAGAAGCTACCCTCAACCTGCCT-3'

ClinVar aggregate classification (germline): Pathogenic (1 of 4 stars; one submission).

Conditions:
Spastic paraplegia. Identifiers: MedGen C0037772, HP:0001258.

Submission:

Labcorp Genetics (formerly Invitae), Labcorp
Classification: Pathogenic for Spastic paraplegia. Last evaluated: 2025-05-13. Review status: criteria provided, single submitter. Criteria: Invitae Variant Classification Sherloc (09022015). Collection method: clinical testing. Allele origin: germline.
Comment: This sequence change affects a donor splice site in intron 3 of the SLC16A2 gene. It is expected to disrupt RNA splicing. Variants that disrupt the donor or acceptor splice site typically lead to a loss of protein function (PMID: 16199547), and loss-of-function variants in SLC16A2 are known to be pathogenic (PMID: 20083155, 25527620). This variant is not present in population databases (gnomAD no frequency). Disruption of this splice site has been observed in individual(s) with Allan-Herndon-Dudley syndrome (PMID: 32603881). In at least one individual the variant was observed to be de novo. Algorithms developed to predict the effect of sequence changes on RNA splicing suggest that this variant may disrupt the consensus splice site. For these reasons, this variant has been classified as Pathogenic.

Literature cited by the submitters: PubMed 16199547; PubMed 20083155; PubMed 25527620; PubMed 32603881.